The following is an entry in ClinVar:

ClinVar aggregate classification (germline): Uncertain significance (1 of 4 stars; one submission).

Conditions:
Hereditary cancer-predisposing syndrome. Also called: Neoplastic Syndromes, Hereditary; Tumor predisposition; Hereditary neoplastic syndrome; Hereditary Cancer Syndrome. Identifiers: Orphanet 140162, MedGen C0027672, MeSH D009386, MONDO:0015356.

Submission:

Ambry Genetics
Classification: Uncertain significance for Hereditary cancer-predisposing syndrome. Last evaluated: 2023-02-12. Review status: criteria provided, single submitter. Criteria: Ambry Variant Classification Scheme 2023. Collection method: clinical testing. Allele origin: germline.
Comment: The p.R439G variant (also known as c.1315A>G), located in coding exon 12 of the FANCC gene, results from an A to G substitution at nucleotide position 1315. The arginine at codon 439 is replaced by glycine, an amino acid with dissimilar properties. This amino acid position is conserved. In addition, the in silico prediction for this alteration is inconclusive. Since supporting evidence is limited at this time, the clinical significance of this alteration remains unclear.

NM_000136.3(FANCC):c.1315A>G (p.Arg439Gly)

Genes: FANCC (FA complementation group C; minus strand), AOPEP (aminopeptidase O (putative); plus strand). Cytogenetic location: 9q22.32.
Variant type: single nucleotide variant.
Coding change: c.1315A>G on transcript NM_000136.3 (MANE Select); coding-DNA position 1315, A replaced by G.
Protein change: p.Arg439Gly; replaces arginine 439 with glycine.
Molecular consequence: missense variant.
Genome position (GRCh38, 1-based): chr9:95,111,477, T>C on the plus strand (A>G on the coding strand, the complement: FANCC is on the minus strand). VCF-style: chr9-95111477-T-C. GRCh37 (hg19) VCF-style: chr9-97873759-T-C.
Other names: c.1315A>G, p.Arg439Gly (NM_001243743.2, NM_001243744.2); short protein forms R439G.
Identifiers: ClinVar variation 2450943 (VCV002450943.2), dbSNP rs2071929381, ClinGen allele CA374107248.